The following is an entry in ClinVar:

NM_138927.4(SON):c.1075C>T (p.Gln359Ter)

Gene: SON (SON DNA and RNA binding protein; plus strand). Cytogenetic location: 21q22.11.
Variant type: single nucleotide variant.
Coding change: c.1075C>T on transcript NM_138927.4 (MANE Select); coding-DNA position 1075, C replaced by T.
Protein change: p.Gln359Ter; replaces glutamine 359 with a stop codon.
Molecular consequence: nonsense. On other transcripts: non-coding transcript variant (1), intron variant (1).
Genome position (GRCh38, 1-based): chr21:33,550,306, C>T. VCF-style: chr21-33550306-C-T. GRCh37 (hg19) VCF-style: chr21-34922612-C-T.
Other names: c.1075C>T, p.Gln359Ter (NM_001291411.2, NM_001412133.1, NM_032195.3 and 2 more transcripts); c.244+3927C>T (NM_001291412.3); short protein forms Q359*.
Identifiers: ClinVar variation 2576569 (VCV002576569.2), dbSNP rs2517350221, ClinGen allele CA410153093.

ClinVar aggregate classification (germline): Likely pathogenic (1 of 4 stars; one submission).

Conditions:
ZTTK syndrome (ZTTKS). Also called: Zhu-Tokita-Takenouchi-Kim Syndrome; ZTTK MULTIPLE CONGENITAL ANOMALIES-MENTAL RETARDATION SYNDROME. Identifiers: Orphanet 500150, MedGen C4310696, MONDO:0014936, OMIM 617140.

Submission:

Institute of Human Genetics, University of Leipzig Medical Center
Classification: Likely pathogenic for ZTTK syndrome. Last evaluated: 2023-05-17. Review status: criteria provided, single submitter. Criteria: ACMG Guidelines, 2015. Collection method: clinical testing. Allele origin: unknown. Inheritance: Autosomal dominant inheritance. Affected: yes.
Comment: Criteria applied: PVS1,PM2_SUP